The following is an entry in ClinVar:

ClinVar aggregate classification (germline): Uncertain significance. Review status: criteria provided, multiple submitters, no conflicts (2 of 4 stars). 4 submissions from 4 submitters: Uncertain significance (4). Last evaluated 2026-01-17.

Conditions:
Hereditary cancer-predisposing syndrome. Also called: Tumor predisposition; Hereditary Cancer Syndrome; Hereditary neoplastic syndrome; Neoplastic Syndromes, Hereditary. Identifiers: Orphanet 140162, MedGen C0027672, MeSH D009386, MONDO:0015356.
Lynch syndrome. Identifiers: Orphanet 144, MedGen C4552100, MONDO:0005835. Disease mechanism: loss of function.
Hereditary nonpolyposis colorectal neoplasms. Identifiers: MedGen C0009405, MeSH D003123.

Allele frequency attached by ClinVar (database versions not stated): gnomAD exomes below 0.00001.

Submissions (4):

Labcorp Genetics (formerly Invitae), Labcorp
Classification: Uncertain significance for Hereditary nonpolyposis colorectal neoplasms. Last evaluated: 2026-01-17. Review status: criteria provided, single submitter. Criteria: Invitae Variant Classification Sherloc (09022015). Collection method: clinical testing. Allele origin: germline.
Comment: This sequence change replaces valine, which is neutral and non-polar, with alanine, which is neutral and non-polar, at codon 120 of the PMS2 protein (p.Val120Ala). This variant is not present in population databases (gnomAD no frequency). This variant has not been reported in the literature in individuals affected with PMS2-related conditions. ClinVar contains an entry for this variant (Variation ID: 411062). Invitae Evidence Modeling incorporating data from in vitro experimental studies (internal data) indicates that this missense variant is not expected to disrupt PMS2 function with a negative predictive value of 95%. In summary, the available evidence is currently insufficient to determine the role of this variant in disease. Therefore, it has been classified as a Variant of Uncertain Significance.

Ambry Genetics
Classification: Uncertain significance for Hereditary cancer-predisposing syndrome. Last evaluated: 2024-08-22. Review status: criteria provided, single submitter. Criteria: Ambry Variant Classification Scheme 2023. Collection method: clinical testing. Allele origin: germline.
Comment: The p.V120A variant (also known as c.359T>C), located in coding exon 5 of the PMS2 gene, results from a T to C substitution at nucleotide position 359. The valine at codon 120 is replaced by alanine, an amino acid with similar properties. This amino acid position is not well conserved in available vertebrate species. In addition, this alteration is predicted to be deleterious by in silico analysis. Based on the available evidence, the clinical significance of this variant remains unclear.

All of Us Research Program, National Institutes of Health
Classification: Uncertain significance for Lynch syndrome. Last evaluated: 2024-08-06. Review status: criteria provided, single submitter. Criteria: ACMG Guidelines, 2015. Collection method: clinical testing. Allele origin: germline. Inheritance: Autosomal dominant inheritance. Observed: 1 variant allele, 1 heterozygote.
Comment: This missense variant replaces valine with alanine at codon 120 of the PMS2 protein. Computational prediction tool is inconclusive regarding the impact of this variant on protein structure and function (internally defined REVEL score threshold 0.5 < inconclusive < 0.7, PMID: 27666373). Splice site prediction tools suggest that this variant may not impact RNA splicing. To our knowledge, functional studies have not been performed for this variant. This variant has not been reported in individuals affected with hereditary cancer in the literature. This variant has not been identified in the general population by the Genome Aggregation Database (gnomAD). The available evidence is insufficient to determine the role of this variant in disease conclusively. Therefore, this variant is classified as a Variant of Uncertain Significance.

This study involves interpretation of variants in research participants for the purpose of population health screening. Participant phenotype was not available at the time of variant classification. Additional details can be found in publication PMID: 35346344, PMCID: PMC8962531

Color Diagnostics, LLC DBA Color Health
Classification: Uncertain significance for Hereditary cancer-predisposing syndrome. Last evaluated: 2024-03-06. Review status: criteria provided, single submitter. Criteria: ACMG Guidelines, 2015. Collection method: clinical testing. Allele origin: germline.
Comment: This missense variant replaces valine with alanine at codon 120 of the PMS2 protein. Computational prediction tool is inconclusive regarding the impact of this variant on protein structure and function (internally defined REVEL score threshold 0.5 < inconclusive < 0.7, PMID: 27666373). Splice site prediction tools suggest that this variant may not impact RNA splicing. To our knowledge, functional studies have not been performed for this variant. This variant has not been reported in individuals affected with hereditary cancer in the literature. This variant has not been identified in the general population by the Genome Aggregation Database (gnomAD). The available evidence is insufficient to determine the role of this variant in disease conclusively. Therefore, this variant is classified as a Variant of Uncertain Significance.

NM_000535.7(PMS2):c.359T>C (p.Val120Ala)

Gene: PMS2 (PMS1 homolog 2, mismatch repair system component; minus strand). Cytogenetic location: 7p22.1.
Variant type: single nucleotide variant.
Coding change: c.359T>C on transcript NM_000535.7 (MANE Select); coding-DNA position 359, T replaced by C.
Protein change: p.Val120Ala; replaces valine 120 with alanine.
Molecular consequence: missense variant. On other transcripts: 5 prime UTR variant (8), non-coding transcript variant (1).
Genome position (GRCh38, 1-based): chr7:6,002,631, A>G on the plus strand (T>C on the coding strand, the complement: PMS2 is on the minus strand). VCF-style: chr7-6002631-A-G. GRCh37 (hg19) VCF-style: chr7-6042262-A-G.
Other names: c.-47T>C (NM_001322003.2, NM_001322004.2, NM_001322005.2 and 3 more transcripts); c.359T>C, p.Val120Ala (NM_001322006.2, NM_001322014.2); c.41T>C, p.Val14Ala (NM_001322007.2, NM_001322008.2); c.-526T>C (NM_001322011.2, NM_001322012.2); c.50T>C, p.Val17Ala (NM_001322015.2); short protein forms V120A, V17A, V14A.
Identifiers: ClinVar variation 411062 (VCV000411062.21), dbSNP rs1060503139, ClinGen allele CA16612238.